The following is an entry in ClinVar:

ClinVar aggregate classification (germline): Uncertain significance (1 of 4 stars; one submission).

Conditions:
Agammaglobulinemia 4, autosomal recessive (AGM4). Also called: B cell linker protein deficiency; AGAMMAGLOBULINEMIA, AUTOSOMAL RECESSIVE, DUE TO BLNK DEFECT. Identifiers: MedGen C3150752, MONDO:0013289, OMIM 613502.

Allele frequency attached by ClinVar (database versions not stated): gnomAD 0.00002; TOPMed 0.00002; ExAC 0.00003.
gnomAD v4.1: 17 of 1,614,220 alleles (0.0011%); highest among the groups gnomAD compares: East Asian, 0.0045%; no homozygotes.

Submission:

Labcorp Genetics (formerly Invitae), Labcorp
Classification: Uncertain significance for Agammaglobulinemia 4, autosomal recessive. Last evaluated: 2022-04-30. Review status: criteria provided, single submitter. Criteria: Invitae Variant Classification Sherloc (09022015). Collection method: clinical testing. Allele origin: germline.
Comment: This sequence change replaces valine, which is neutral and non-polar, with methionine, which is neutral and non-polar, at codon 85 of the BLNK protein (p.Val85Met). This variant is present in population databases (rs781998086, gnomAD 0.007%). This variant has not been reported in the literature in individuals affected with BLNK-related conditions. Algorithms developed to predict the effect of missense changes on protein structure and function are either unavailable or do not agree on the potential impact of this missense change (SIFT: "Deleterious"; PolyPhen-2: "Possibly Damaging"; Align-GVGD: "Class C0"). In summary, the available evidence is currently insufficient to determine the role of this variant in disease. Therefore, it has been classified as a Variant of Uncertain Significance.

NM_013314.4(BLNK):c.253G>A (p.Val85Met)

Gene: BLNK (B cell linker; minus strand). Cytogenetic location: 10q24.1.
Variant type: single nucleotide variant.
Coding change: c.253G>A on transcript NM_013314.4 (MANE Select); coding-DNA position 253, G replaced by A.
Protein change: p.Val85Met; replaces valine 85 with methionine.
Molecular consequence: missense variant. On other transcripts: non-coding transcript variant (4).
Genome position (GRCh38, 1-based): chr10:96,227,518, C>T on the plus strand (G>A on the coding strand, the complement: BLNK is on the minus strand). VCF-style: chr10-96227518-C-T. GRCh37 (hg19) VCF-style: chr10-97987274-C-T.
Other names: c.253G>A, p.Val85Met (NM_001114094.2, NM_001258440.2, NM_001258441.2 and 1 more transcripts); short protein forms V85M.
Identifiers: ClinVar variation 2195937 (VCV002195937.1), dbSNP rs781998086, ClinGen allele CA5623529.
Genomic context (GRCh38, chr10:96,227,518, plus strand): 5'-TTTCCTGCTCTACTGGAGGCGGCTCGTAGCTGTCATCAGCGTTCTCCTCGGCGGGCATCA[C>T]GTACATCTCTGAGTCCGAGTGCTCATCTGGATTTTCATAGTCGCTGTCCTGCAAGTGCAG-3'
Protein context (NP_037446.1, residues 75-95): PDEHSDSEMY[Val85Met]MPAEENADDS